The following is an entry in ClinVar:

ClinVar aggregate classification (germline): Uncertain significance (1 of 4 stars; one submission).

Conditions:
Charcot-Marie-Tooth disease axonal type 2O. Also called: CHARCOT-MARIE-TOOTH NEUROPATHY, AXONAL, TYPE 2O; CHARCOT-MARIE-TOOTH DISEASE, AXONAL, AUTOSOMAL DOMINANT, TYPE 2O; Charcot-Marie-Tooth Neuropathy Type 2O; Charcot-Marie-Tooth disease, axonal, type 20. Identifiers: Orphanet 284232, MedGen C3280220, MONDO:0013644, OMIM 614228.

Allele frequency attached by ClinVar (database versions not stated): gnomAD exomes below 0.00001; TOPMed below 0.00001; ExAC 0.00002.
gnomAD v4.1: 4 of 1,614,262 alleles (0.00025%); highest among the groups gnomAD compares: South Asian, 0.0011%; no homozygotes.

Submission:

Labcorp Genetics (formerly Invitae), Labcorp
Classification: Uncertain significance for Charcot-Marie-Tooth disease axonal type 2O. Last evaluated: 2022-02-02. Review status: criteria provided, single submitter. Criteria: Invitae Variant Classification Sherloc (09022015). Collection method: clinical testing. Allele origin: germline.
Comment: In summary, the available evidence is currently insufficient to determine the role of this variant in disease. Therefore, it has been classified as a Variant of Uncertain Significance. Advanced modeling of protein sequence and biophysical properties (such as structural, functional, and spatial information, amino acid conservation, physicochemical variation, residue mobility, and thermodynamic stability) performed at Invitae indicates that this missense variant is expected to disrupt DYNC1H1 protein function. ClinVar contains an entry for this variant (Variation ID: 966875). This variant has not been reported in the literature in individuals affected with DYNC1H1-related conditions. This variant is not present in population databases (gnomAD no frequency). This sequence change replaces arginine, which is basic and polar, with cysteine, which is neutral and slightly polar, at codon 283 of the DYNC1H1 protein (p.Arg283Cys).

NM_001376.5(DYNC1H1):c.847C>T (p.Arg283Cys)

Gene: DYNC1H1 (dynein cytoplasmic 1 heavy chain 1; plus strand). Cytogenetic location: 14q32.31.
Variant type: single nucleotide variant.
Coding change: c.847C>T on transcript NM_001376.5 (MANE Select); coding-DNA position 847, C replaced by T.
Protein change: p.Arg283Cys; replaces arginine 283 with cysteine.
Molecular consequence: missense variant.
Genome position (GRCh38, 1-based): chr14:101,980,436, C>T. VCF-style: chr14-101980436-C-T. GRCh37 (hg19) VCF-style: chr14-102446773-C-T.
Other names: short protein forms R283C.
Identifiers: ClinVar variation 966875 (VCV000966875.7), dbSNP rs764341361, ClinGen allele CA7351597.